The following is an entry in ClinVar:

ClinVar aggregate classification (germline): Pathogenic (1 of 4 stars; one submission).

Submission:

Labcorp Genetics (formerly Invitae), Labcorp
Classification: Pathogenic. Last evaluated: 2022-10-24. Review status: criteria provided, single submitter. Criteria: Invitae Variant Classification Sherloc (09022015). Collection method: clinical testing. Allele origin: germline.
Comment: For these reasons, this variant has been classified as Pathogenic. A similar copy number variant has been observed in individual(s) with deafness and enlarged vestibular aqueduct (PMID: 26549381). This variant is a gross deletion of the genomic region encompassing exon(s) 1-3 of the SLC26A4 gene, which includes the initiator codon. This deletion extends beyond the assayed region for this gene and therefore may encompass additional genes. It is expected to result in an absent or disrupted protein product. Loss-of-function variants in SLC26A4 are known to be pathogenic (PMID: 16283880, 25394566, 26252218, 26445815).

Literature cited by the submitters: PubMed 26549381; PubMed 16283880; PubMed 25394566; PubMed 26252218; PubMed 26445815.

NC_000007.13:g.(?_107301201)_(107303890_?)del

Gene: SLC26A4 (solute carrier family 26 member 4; plus strand). Cytogenetic location: 7q22.3.
Variant type: Deletion.
Identifiers: ClinVar variation 1460354 (VCV001460354.7).